The following is an entry in ClinVar:

NM_000268.4(NF2):c.1148T>C (p.Leu383Pro)

Gene: NF2 (NF2, moesin-ezrin-radixin like (MERLIN) tumor suppressor; plus strand). Cytogenetic location: 22q12.2.
Variant type: single nucleotide variant.
Coding change: c.1148T>C on transcript NM_000268.4 (MANE Select); coding-DNA position 1148, T replaced by C.
Protein change: p.Leu383Pro; replaces leucine 383 with proline.
Molecular consequence: missense variant. On other transcripts: intron variant (1).
Genome position (GRCh38, 1-based): chr22:29,673,294, T>C. VCF-style: chr22-29673294-T-C. GRCh37 (hg19) VCF-style: chr22-30069283-T-C.
Other names: c.1148T>C, p.Leu383Pro (NM_001407066.1, NM_016418.5, NM_181825.3 and 2 more transcripts); c.917T>C, p.Leu306Pro (NM_001407067.1); c.1022T>C, p.Leu341Pro (NM_181828.3, NM_001407055.1); c.1025T>C, p.Leu342Pro (NM_181829.3, NM_001407054.1, NM_001407058.1); c.899T>C, p.Leu300Pro (NM_181830.3, NM_181831.3, NM_001407063.1 and 1 more transcripts); c.448-21458T>C (NM_181833.3); c.1013T>C, p.Leu338Pro (NM_001407059.1, NM_001407057.1); c.890T>C, p.Leu297Pro (NM_001407062.1); and 2 more; short protein forms L205P, L297P, L300P, L306P, L338P, L341P, L342P, L345P.
Identifiers: ClinVar variation 4861016 (VCV004861016.1).

ClinVar aggregate classification (germline): Uncertain significance (1 of 4 stars; one submission).

Conditions:
Hereditary cancer-predisposing syndrome. Also called: Neoplastic Syndromes, Hereditary; Tumor predisposition; Hereditary Cancer Syndrome; Hereditary neoplastic syndrome. Identifiers: Orphanet 140162, MedGen C0027672, MeSH D009386, MONDO:0015356.

Submission:

Ambry Genetics
Classification: Uncertain significance for Hereditary cancer-predisposing syndrome. Last evaluated: 2026-04-06. Review status: criteria provided, single submitter. Criteria: Ambry Variant Classification Scheme 2023. Collection method: clinical testing. Allele origin: germline.
Comment: The p.L383P variant (also known as c.1148T>C), located in coding exon 12 of the NF2 gene, results from a T to C substitution at nucleotide position 1148. The leucine at codon 383 is replaced by proline, an amino acid with similar properties. This amino acid position is conserved. In addition, this alteration is predicted to be deleterious by in silico analysis. Based on the available evidence, the clinical significance of this variant remains unclear.